The following is an entry in ClinVar:

NM_182961.4(SYNE1):c.7610G>A (p.Arg2537Lys)

Gene: SYNE1 (spectrin repeat containing nuclear envelope protein 1; minus strand). Cytogenetic location: 6q25.2.
Variant type: single nucleotide variant.
Coding change: c.7610G>A on transcript NM_182961.4 (MANE Select); coding-DNA position 7610, G replaced by A.
Protein change: p.Arg2537Lys; replaces arginine 2537 with lysine.
Molecular consequence: missense variant.
Genome position (GRCh38, 1-based): chr6:152,395,618, C>T on the plus strand (G>A on the coding strand, the complement: SYNE1 is on the minus strand). VCF-style: chr6-152395618-C-T. GRCh37 (hg19) VCF-style: chr6-152716753-C-T.
Other names: c.7631G>A, p.Arg2544Lys (NM_033071.5); short protein forms R2537K, R2544K.
Identifiers: ClinVar variation 943896 (VCV000943896.4), dbSNP rs762448241, ClinGen allele CA4057770.

ClinVar aggregate classification (germline): Uncertain significance (1 of 4 stars; one submission).

Conditions:
Emery-Dreifuss muscular dystrophy 4, autosomal dominant (EDMD4). Also called: EMERY-DREIFUSS MUSCULAR DYSTROPHY 4 WITH VARIABLE FEATURES. Identifiers: Orphanet 261, MedGen C2751807, MONDO:0013071, OMIM 612998.
Autosomal recessive ataxia, Beauce type. Also called: Spinocerebellar ataxia, autosomal recessive 8; ATAXIA, RECESSIVE, OF BEAUCE; SYNE1-Related Autosomal Recessive Cerebellar Ataxia; SYNE1 Deficiency. Identifiers: Orphanet 88644, MedGen C1853116, MONDO:0012549, OMIM 610743.

Allele frequency attached by ClinVar (database versions not stated): gnomAD 0.00002; TOPMed 0.00002.
gnomAD v4.1: 10 of 1,614,042 alleles (0.00062%); highest among the groups gnomAD compares: Admixed American, 0.01%; no homozygotes.

Submission:

Labcorp Genetics (formerly Invitae), Labcorp
Classification: Uncertain significance for Emery-Dreifuss muscular dystrophy 4, autosomal dominant; Autosomal recessive ataxia, Beauce type. Last evaluated: 2022-08-21. Review status: criteria provided, single submitter. Criteria: Invitae Variant Classification Sherloc (09022015). Collection method: clinical testing. Allele origin: germline.
Comment: This sequence change replaces arginine, which is basic and polar, with lysine, which is basic and polar, at codon 2544 of the SYNE1 protein (p.Arg2544Lys). This variant is present in population databases (rs762448241, gnomAD 0.02%). This variant has not been reported in the literature in individuals affected with SYNE1-related conditions. ClinVar contains an entry for this variant (Variation ID: 943896). Algorithms developed to predict the effect of missense changes on protein structure and function output the following: SIFT: "Deleterious"; PolyPhen-2: "Benign"; Align-GVGD: "Class C25". The lysine amino acid residue is found in multiple mammalian species, which suggests that this missense change does not adversely affect protein function. In summary, the available evidence is currently insufficient to determine the role of this variant in disease. Therefore, it has been classified as a Variant of Uncertain Significance.